The following is an entry in ClinVar:

ClinVar aggregate classification (germline): Likely benign (0 of 4 stars; one submission).

Conditions:
DISP3-related disorder. Also called: DISP3-related condition.

Allele frequency attached by ClinVar (database versions not stated): gnomAD exomes 0.00003; ExAC 0.00005; 1000 Genomes Project 30x 0.00078; 1000 Genomes Project 0.00080; ESP Exome Variant Server 0.00024; gnomAD 0.00027; TOPMed 0.00035.
gnomAD v4.1: 86 of 1,612,998 alleles (0.0053%); highest among the groups gnomAD compares: African/African-American, 0.1%; no homozygotes.

Submission:

PreventionGenetics, part of Exact Sciences
Classification: Likely benign for DISP3-related condition. Last evaluated: 2019-05-01. Review status: no assertion criteria provided. Collection method: clinical testing. Allele origin: germline.
Comment: This variant is classified as likely benign based on ACMG/AMP sequence variant interpretation guidelines (Richards et al. 2015 PMID: 25741868, with internal and published modifications).

NM_020780.2(DISP3):c.2121C>T (p.Gly707=)

Gene: DISP3 (dispatched RND transporter family member 3; plus strand). Cytogenetic location: 1p36.22.
Variant type: single nucleotide variant.
Coding change: c.2121C>T on transcript NM_020780.2 (MANE Select); coding-DNA position 2121, C replaced by T.
Protein change: p.Gly707=; no amino-acid change (glycine 707 retained).
Molecular consequence: synonymous variant.
Genome position (GRCh38, 1-based): chr1:11,519,801, C>T. VCF-style: chr1-11519801-C-T. GRCh37 (hg19) VCF-style: chr1-11579858-C-T.
Identifiers: ClinVar variation 3037440 (VCV003037440.2), dbSNP rs201408187, ClinGen allele CA591880.
Genomic context (GRCh38, chr1:11,519,801, plus strand): 5'-GTCCCTGGTGTCTGTGTCCCCCGAGGGTCTGCAGCCAGCCTCCAACACGGGCAGCCGCGG[C>T]CATCTCATCGTGCAGCTGCAGGAGCTGCTGCACCACTGGGTCCTGTGGTCAGCCGTCAAG-3'
Protein context (NP_065831.1, residues 697-717): LQPASNTGSR[Gly707=]HLIVQLQELL